The following is an entry in ClinVar:

NM_018051.5(DYNC2I1):c.324T>C (p.His108=)

Gene: DYNC2I1 (dynein 2 intermediate chain 1; plus strand). Cytogenetic location: 7q36.3.
Variant type: single nucleotide variant.
Coding change: c.324T>C on transcript NM_018051.5 (MANE Select); coding-DNA position 324, T replaced by C.
Protein change: p.His108=; no amino-acid change (histidine 108 retained).
Molecular consequence: synonymous variant. On other transcripts: 5 prime UTR variant (4).
Genome position (GRCh38, 1-based): chr7:158,871,396, T>C. VCF-style: chr7-158871396-T-C. GRCh37 (hg19) VCF-style: chr7-158664087-T-C.
Other names: c.186T>C, p.His62= (NM_001350914.2); c.-194T>C (NM_001350915.2); c.-1035T>C (NM_001350916.2); c.-1043T>C (NM_001350917.2); c.-1162T>C (NM_001350918.2).
Identifiers: ClinVar variation 772310 (VCV000772310.9), dbSNP rs191864940, ClinGen allele CA4594281.

ClinVar aggregate classification (germline): Likely benign. Review status: criteria provided, multiple submitters, no conflicts (2 of 4 stars). 3 submissions from 3 submitters: Likely benign (3). Last evaluated 2025-11-11.

Conditions:
DYNC2I1-related disorder. Also called: DYNC2I1-related condition.
Short-rib thoracic dysplasia 8 with or without polydactyly (SRTD8). Also called: SHORT-RIB THORACIC DYSPLASIA 8 WITH POLYDACTYLY. Identifiers: Orphanet 93271, MedGen C3809691, MONDO:0014214, OMIM 615503.

Allele frequency attached by ClinVar (database versions not stated): 1000 Genomes Project 30x 0.00016; ExAC 0.00019; gnomAD exomes 0.00019 and 0.00044; 1000 Genomes Project 0.00020; gnomAD 0.00025 and 0.00028; ESP Exome Variant Server 0.00028; TOPMed 0.00031.
gnomAD v4.1: 663 of 1,551,068 alleles (0.043%); highest among the groups gnomAD compares: Non-Finnish European, 0.053%; 1 homozygote.

Submissions (3):

PreventionGenetics, part of Exact Sciences
Classification: Likely benign for DYNC2I1-related condition. Last evaluated: 2025-11-11. Review status: criteria provided, single submitter. Criteria: ACMG Guidelines, 2015. Collection method: clinical testing. Allele origin: germline.
Comment: This variant is classified as likely benign based on ACMG/AMP sequence variant interpretation guidelines (Richards et al. 2015 PMID: 25741868, with internal and published modifications).

Labcorp Genetics (formerly Invitae), Labcorp
Classification: Likely benign for Short-rib thoracic dysplasia 8 with or without polydactyly. Last evaluated: 2025-08-11. Review status: criteria provided, single submitter. Criteria: Invitae Variant Classification Sherloc (09022015). Collection method: clinical testing. Allele origin: germline.

Blueprint Genetics
Classification: Likely benign. Last evaluated: 2024-10-18. Review status: criteria provided, single submitter. Criteria: ACMG Guidelines, 2015. Collection method: clinical testing. Allele origin: germline.